The following is an entry in ClinVar:

ClinVar aggregate classification (germline): Uncertain significance (1 of 4 stars; one submission).

gnomAD v4.1: 1 of 1,613,776 alleles (0.000062%); highest among the groups gnomAD compares: Non-Finnish European, 0.000085%; no homozygotes.

Submission:

Ambry Genetics
Classification: Uncertain significance. Last evaluated: 2024-04-22. Review status: criteria provided, single submitter. Criteria: Ambry Variant Classification Scheme 2023. Collection method: clinical testing. Allele origin: germline.
Comment: The p.I780T variant (also known as c.2339T>C), located in coding exon 21 of the PRKDC gene, results from a T to C substitution at nucleotide position 2339. The isoleucine at codon 780 is replaced by threonine, an amino acid with similar properties. This amino acid position is conserved. In addition, this alteration is predicted to be deleterious by in silico analysis. Based on the available evidence, the clinical significance of this variant remains unclear.

NM_006904.7(PRKDC):c.2339T>C (p.Ile780Thr)

Gene: PRKDC (protein kinase, DNA-activated, catalytic subunit; minus strand). Cytogenetic location: 8q11.21.
Variant type: single nucleotide variant.
Coding change: c.2339T>C on transcript NM_006904.7 (MANE Select); coding-DNA position 2339, T replaced by C.
Protein change: p.Ile780Thr; replaces isoleucine 780 with threonine.
Molecular consequence: missense variant.
Genome position (GRCh38, 1-based): chr8:47,927,274, A>G on the plus strand (T>C on the coding strand, the complement: PRKDC is on the minus strand). VCF-style: chr8-47927274-A-G. GRCh37 (hg19) VCF-style: chr8-48839834-A-G.
Other names: c.2339T>C, p.Ile780Thr (NM_001081640.2); short protein forms I780T.
Identifiers: ClinVar variation 3310054 (VCV003310054.1).